The following is an entry in ClinVar:

ClinVar aggregate classification (germline): Conflicting classifications of pathogenicity. Review status: criteria provided, conflicting classifications (1 of 4 stars). 3 submissions from 3 submitters: Likely pathogenic (1); Uncertain significance (1). 1 of the submissions does not count toward it. Last evaluated 2024-02-14.

Conditions:
Telangiectasia, hereditary hemorrhagic, type 2 (HHT2). Also called: ACVRL1-Related Hereditary Hemorrhagic Telangiectasia; Telangiectasia, hereditary hemorrhagic, type II. Identifiers: Orphanet 774, MedGen C1838163, MONDO:0010880, OMIM 600376. Disease mechanism: loss of function.

Submissions (3):

Labcorp Genetics (formerly Invitae), Labcorp
Classification: Likely pathogenic for Telangiectasia, hereditary hemorrhagic, type 2. Last evaluated: 2024-02-14. Review status: criteria provided, single submitter. Criteria: Invitae Variant Classification Sherloc (09022015). Collection method: clinical testing. Allele origin: germline.
Comment: This sequence change replaces leucine, which is neutral and non-polar, with proline, which is neutral and non-polar, at codon 193 of the ACVRL1 protein (p.Leu193Pro). This variant is not present in population databases (gnomAD no frequency). This missense change has been observed in individuals with autosomal dominant pulmonary hypertension (PMID: 35346192; Invitae). ClinVar contains an entry for this variant (Variation ID: 548119). Advanced modeling of protein sequence and biophysical properties (such as structural, functional, and spatial information, amino acid conservation, physicochemical variation, residue mobility, and thermodynamic stability) performed at Invitae indicates that this missense variant is expected to disrupt ACVRL1 protein function with a positive predictive value of 95%. In summary, the currently available evidence indicates that the variant is pathogenic, but additional data are needed to prove that conclusively. Therefore, this variant has been classified as Likely Pathogenic.

GeneDx
Classification: Uncertain significance. Last evaluated: 2021-01-06. Review status: criteria provided, single submitter. Criteria: GeneDx Variant Classification Process June 2021. Collection method: clinical testing. Allele origin: germline. Affected: yes.
Comment: Has not been previously published as pathogenic or benign to our knowledge; Not observed in large population cohorts (Lek et al., 2016); In silico analysis supports that this missense variant has a deleterious effect on protein structure/function

Institute of Human Genetics, University of Goettingen
Classification: Likely pathogenic for Telangiectasia, hereditary hemorrhagic, type 2. Last evaluated: 2018-06-28. Review status: no assertion criteria provided. Collection method: clinical testing. Allele origin: germline. Inheritance: Autosomal dominant inheritance. Affected: yes. Observed: 1 variant allele, 1 heterozygote. Not counted in ClinVar's aggregate classification.

Literature cited by the submitters: PubMed 35346192 (cited by Labcorp Genetics (formerly Invitae), Labcorp).

NM_000020.3(ACVRL1):c.578T>C (p.Leu193Pro)

Gene: ACVRL1 (activin A receptor like type 1; plus strand). Cytogenetic location: 12q13.13.
Variant type: single nucleotide variant.
Coding change: c.578T>C on transcript NM_000020.3 (MANE Select); coding-DNA position 578, T replaced by C.
Protein change: p.Leu193Pro; replaces leucine 193 with proline.
Molecular consequence: missense variant.
Genome position (GRCh38, 1-based): chr12:51,914,026, T>C. VCF-style: chr12-51914026-T-C. GRCh37 (hg19) VCF-style: chr12-52307810-T-C.
Other names: c.578T>C, p.Leu193Pro (NM_001077401.2); short protein forms L193P.
Identifiers: ClinVar variation 548119 (VCV000548119.12), dbSNP rs1555152790, ClinGen allele CA384899717.